The following is an entry in ClinVar:

NC_000009.11:g.(?_140693245)_(140729405_?)del

Gene: EHMT1 (euchromatic histone lysine methyltransferase 1; plus strand). Cytogenetic location: 9q34.3.
Variant type: Deletion.
Identifiers: ClinVar variation 3245168 (VCV003245168.1).

ClinVar aggregate classification (germline): Pathogenic (1 of 4 stars; one submission).

Conditions:
Kleefstra syndrome 1 (KLEFS1). Identifiers: Orphanet 261494, MedGen C0795833, MONDO:0027407, OMIM 610253.

Submission:

Labcorp Genetics (formerly Invitae), Labcorp
Classification: Pathogenic for Kleefstra syndrome 1. Last evaluated: 2023-01-18. Review status: criteria provided, single submitter. Criteria: Invitae Variant Classification Sherloc (09022015). Collection method: clinical testing. Allele origin: unknown.
Comment: This variant is a gross deletion of the genomic region encompassing exon(s) 17-27 of the EHMT1 gene, which includes the termination codon. This deletion extends beyond the assayed region for this gene and therefore may encompass additional genes. While this deletion is not anticipated to lead to nonsense mediated decay, it is expected to alter mRNA translation or result in a truncated protein product. This variant has not been reported in the literature in individuals affected with EHMT1-related conditions. For these reasons, this variant has been classified as Pathogenic. This variant disrupts a region of the EHMT1 protein in which other variant(s) (p.Cys1105Arg) have been determined to be pathogenic (Invitae). This suggests that this is a clinically significant region of the protein, and that variants that disrupt it are likely to be disease-causing.